The following is an entry in ClinVar:

ClinVar aggregate classification (germline): Conflicting classifications of pathogenicity. Review status: criteria provided, conflicting classifications (1 of 4 stars). 12 submissions from 11 submitters: Uncertain significance (7); Benign (1); Likely benign (1). 3 of the submissions do not count toward it. Last evaluated 2026-07-20.

Conditions:
Achromatopsia 3 (ACHM3). Also called: PINGELAPESE BLINDNESS; TOTAL COLORBLINDNESS WITH MYOPIA; ROD MONOCHROMACY 1; ROD MONOCHROMATISM 1; ACHROMATOPSIA WITH MYOPIA. Identifiers: Orphanet 49382, MedGen C1849792, MONDO:0009875, OMIM 262300.
Severe early-childhood-onset retinal dystrophy (STGD1). Also called: MACULAR DYSTROPHY WITH FLECKS, TYPE 1; STGD; Stargardt macular dystrophy; Juvenile onset macular degeneration; Stargardt disease 1. Identifiers: Orphanet 364055, Orphanet 827, MedGen C1855465, MeSH D000080362, MONDO:0009549, OMIM 248200.
CNGB3-related disorder. Also called: CNGB3-related condition; CNGB3-related disorders. Identifiers: MedGen CN239340.
Achromatopsia. Also called: Rod monochromatism. Identifiers: Orphanet 49382, MedGen C0152200, MONDO:0018852, HP:0011516.

Allele frequency attached by ClinVar (database versions not stated): 1000 Genomes Project 0.00020; 1000 Genomes Project 30x 0.00031; gnomAD exomes 0.00064 and 0.00117; ExAC 0.00071; TOPMed 0.00084; gnomAD 0.00085 and 0.00086; ESP Exome Variant Server 0.00123.
gnomAD v4.1: 1,825 of 1,613,898 alleles (0.11%); highest among the groups gnomAD compares: Non-Finnish European, 0.14%; 1 homozygote.

Submissions (12):

Myriad Genetics, Inc.
Classification: Uncertain significance for Achromatopsia 3. Last evaluated: 2026-07-20. Review status: criteria provided, single submitter. Criteria: Myriad Autosomal Dominant, Autosomal Recessive and X-Linked Classification Criteria (2023). Collection method: clinical testing. Allele origin: unknown.
Comment: NM_019098.4(CNGB3):c.1534A>G(I512V) is a missense variant classified as a variant of uncertain significance in the context of achromatopsia, CNGB3-related. I512V has not been observed in cases with relevant disease. Relevant functional assessments of this variant are not available in the literature. I512V has been observed in referenced population frequency databases. In summary, there is insufficient evidence to classify NM_019098.4(CNGB3):c.1534A>G(I512V) as pathogenic or benign. Please note: this variant was assessed in the context of healthy population screening.

PreventionGenetics, part of Exact Sciences
Classification: Uncertain significance for CNGB3-related condition. Last evaluated: 2026-05-18. Review status: criteria provided, single submitter. Criteria: ACMG Guidelines, 2015. Collection method: clinical testing. Allele origin: germline.
Comment: The CNGB3 c.1534A>G variant is predicted to result in the amino acid substitution p.Ile512Val. This variant was previously reported in a large cohort of individuals with retinal disease; however, a second potentially causative variant in CNGB3 was not identified (Cundy et al. 2020. PubMed ID: 32728228). This variant is reported in 0.12% of alleles in individuals of European (Non-Finnish) descent in gnomAD, which is likely too frequent to be a primary cause of disease. Although we suspect that this variant may be benign, at this time, the clinical significance of this variant is uncertain due to the absence of conclusive functional and genetic evidence.

Labcorp Genetics (formerly Invitae), Labcorp
Classification: Benign. Last evaluated: 2026-01-28. Review status: criteria provided, single submitter. Criteria: Invitae Variant Classification Sherloc (09022015). Collection method: clinical testing. Allele origin: germline.

CeGaT Center for Human Genetics Tuebingen
Classification: Uncertain significance. Last evaluated: 2025-08-01. Review status: criteria provided, single submitter. Criteria: CeGaT Center For Human Genetics Tuebingen Variant Classification Criteria Version 2. Collection method: clinical testing. Allele origin: germline. Affected: yes. Observed: 4 variant alleles.

Blueprint Genetics
Classification: Likely benign. Last evaluated: 2024-10-23. Review status: criteria provided, single submitter. Criteria: ACMG Guidelines, 2015. Collection method: clinical testing. Allele origin: germline.

GeneDx
Classification: Uncertain significance. Last evaluated: 2022-01-13. Review status: criteria provided, single submitter. Criteria: GeneDx Variant Classification Process June 2021. Collection method: clinical testing. Allele origin: germline. Affected: yes.
Comment: Has not been previously published as pathogenic or benign to our knowledge; In silico analysis supports that this missense variant does not alter protein structure/function

Centre for Mendelian Genomics, University Medical Centre Ljubljana
Classification: Uncertain significance for Achromatopsia 3. Last evaluated: 2020-01-29. Review status: criteria provided, single submitter. Criteria: ACMG Guidelines, 2015. Collection method: clinical testing. Allele origin: unknown. Affected: yes.
Comment: This variant was classified as: Uncertain significance. The available evidence on this variant's pathogenicity is insufficient or conflicting. The following ACMG criteria were applied in classifying this variant: PM2.

Illumina Laboratory Services, Illumina
Classification: Uncertain significance for Achromatopsia 3. Last evaluated: 2018-01-12. Review status: criteria provided, single submitter. Criteria: ICSL Variant Classification Criteria 13 December 2019. Collection method: clinical testing. Allele origin: germline.

Illumina Laboratory Services, Illumina
Classification: Uncertain significance for Severe early-childhood-onset retinal dystrophy. Last evaluated: 2018-01-12. Review status: criteria provided, single submitter. Criteria: ICSL Variant Classification Criteria 13 December 2019. Collection method: clinical testing. Allele origin: germline.

Natera, Inc.
Classification: Likely benign for Achromatopsia. Last evaluated: 2021-07-28. Review status: no assertion criteria provided. Collection method: clinical testing. Allele origin: germline. Not counted in ClinVar's aggregate classification.

Clinical Genetics DNA and cytogenetics Diagnostics Lab, Erasmus MC, Erasmus Medical Center
Classification: Likely benign. Review status: no assertion criteria provided. Collection method: clinical testing. Allele origin: germline. Affected: yes. Study: VKGL Data-share Consensus. Not counted in ClinVar's aggregate classification.

Clinical Genetics, Academic Medical Center
Classification: Benign. Review status: no assertion criteria provided. Collection method: clinical testing. Allele origin: germline. Affected: yes. Study: VKGL Data-share Consensus. Not counted in ClinVar's aggregate classification.

NM_019098.5(CNGB3):c.1534A>G (p.Ile512Val)

Gene: CNGB3 (cyclic nucleotide gated channel subunit beta 3; minus strand). Cytogenetic location: 8q21.3.
Variant type: single nucleotide variant.
Coding change: c.1534A>G on transcript NM_019098.5 (MANE Select); coding-DNA position 1534, A replaced by G.
Protein change: p.Ile512Val; replaces isoleucine 512 with valine.
Molecular consequence: missense variant.
Genome position (GRCh38, 1-based): chr8:86,626,027, T>C on the plus strand (A>G on the coding strand, the complement: CNGB3 is on the minus strand). VCF-style: chr8-86626027-T-C. GRCh37 (hg19) VCF-style: chr8-87638255-T-C.
Other names: short protein forms I512V.
Identifiers: ClinVar variation 363871 (VCV000363871.63), dbSNP rs146062161, ClinGen allele CA4799986.
Genomic context (GRCh38, chr8:86,626,027, plus strand): 5'-TTGTAAAAGCACTTGCCTTGAACAAGTCGACTTTGCTGATGATGCTGAAGTTCACATCAA[T>C]GGCGAGGGCTAACTGGACCGTAGTTGGTAGGGTCTTAAGCAAATCAGACTCATCTTTATA-3'
Protein context (NP_061971.3, residues 502-522): LPTTVQLALA[Ile512Val]DVNFSIISKV